The following is an entry in ClinVar:

ClinVar aggregate classification (germline): Pathogenic. Review status: criteria provided, multiple submitters, no conflicts (2 of 4 stars). 2 submissions from 2 submitters: Pathogenic (2). Last evaluated 2017-05-01.

Conditions:
Marfan syndrome (MFS). Also called: MARFAN SYNDROME, TYPE I; FBN1-Related Marfan Syndrome; Marfan syndrome type 1; Marfan's syndrome; Marfan syndrome, classic. Identifiers: Orphanet 284963, Orphanet 558, MedGen C0024796, MONDO:0007947, OMIM 154700.
Familial thoracic aortic aneurysm and aortic dissection (TAAD). Also called: Thoracic aortic aneurysms and dissections. Identifiers: Orphanet 91387, MedGen C4707243, MONDO:0019625.

Submissions (2):

GeneDx
Classification: Pathogenic. Last evaluated: 2017-05-01. Review status: criteria provided, single submitter. Criteria: GeneDx Variant Classification (06012015). Collection method: clinical testing. Allele origin: germline. Affected: yes.
Comment: The c.917delA variant in the FBN1 gene has been reported previously in one individual with suspectedMarfan syndrome (Magyar I et al., 2009). The c.917delA deletion is expected to result in either anabnormal, truncated protein product or loss of protein from this allele through nonsense-mediated mRNAdecay. Other frameshift variants in the FBN1 gene have been reported in the Human Gene MutationDatabase in association with Marfan syndrome (Stenson P et al., 2014). Furthermore, the c.917delA deletion was not observed in approximately 6,500 individuals of European and African American ancestry in theNHLBI Exome Sequencing Project, indicating it is not a common benign variant in these populations.In summary, c.917delA in the FBN1 gene is interpreted as a pathogenic variant.

Labcorp Genetics (formerly Invitae), Labcorp
Classification: Pathogenic for Marfan syndrome; Familial thoracic aortic aneurysm and aortic dissection. Last evaluated: 2017-04-17. Review status: criteria provided, single submitter. Criteria: Invitae Variant Classification Sherloc (09022015). Collection method: clinical testing. Allele origin: germline.
Comment: This sequence change deletes 1 nucleotide from exon 9 of the FBN1 mRNA (c.917delA), causing a frameshift at codon 306. This creates a premature translational stop signal (p.Asn306Thrfs*24) and is expected to result in an absent or disrupted protein product. Loss-of-function variants in FBN1 are known to be pathogenic. This particular variant has been reported in the literature in an individual with Marfan syndrome (PMID: 19618372). For these reasons, this variant has been classified as Pathogenic.

Literature cited by the submitters: PubMed 19618372 (cited by Labcorp Genetics (formerly Invitae), Labcorp).

NM_000138.5(FBN1):c.917del (p.Asn306fs)

Gene: FBN1 (fibrillin 1; minus strand). Cytogenetic location: 15q21.1.
Variant type: Deletion.
Coding change: c.917del on transcript NM_000138.5 (MANE Select); coding-DNA position 917, one base deleted (A; older notation c.917delA).
Protein change: p.Asn306fs; shifts the reading frame from asparagine 306.
Molecular consequence: frameshift variant.
Genome position (GRCh38, 1-based): chr15:48,526,201, T deleted on the plus strand (A on the coding strand, the reverse complement: FBN1 is on the minus strand); the first of 3 consecutive T bases (chr15:48,526,201-48,526,203); deleting any one gives the same sequence. VCF-style (leftmost placement, unchanged base first): chr15-48526200-GT-G. GRCh37 (hg19) VCF-style: chr15-48818397-GT-G.
Other names: c.917delA (NM_000138.4); short protein forms N306fs.
Identifiers: ClinVar variation 419091 (VCV000419091.9), dbSNP rs1064793637, ClinGen allele CA16619976.